The following is an entry in ClinVar:

NM_030665.4(RAI1):c.3889A>T (p.Thr1297Ser)

Gene: RAI1 (retinoic acid induced 1; plus strand). Cytogenetic location: 17p11.2.
Variant type: single nucleotide variant.
Coding change: c.3889A>T on transcript NM_030665.4 (MANE Select); coding-DNA position 3889, A replaced by T.
Protein change: p.Thr1297Ser; replaces threonine 1297 with serine.
Molecular consequence: missense variant.
Genome position (GRCh38, 1-based): chr17:17,796,837, A>T. VCF-style: chr17-17796837-A-T. GRCh37 (hg19) VCF-style: chr17-17700151-A-T.
Other names: short protein forms T1297S.
Identifiers: ClinVar variation 3704722 (VCV003704722.2).

ClinVar aggregate classification (germline): Uncertain significance (1 of 4 stars; one submission).

gnomAD v4.1: 5 of 1,610,482 alleles (0.00031%); highest among the groups gnomAD compares: Admixed American, 0.0084%; no homozygotes.

Submission:

Labcorp Genetics (formerly Invitae), Labcorp
Classification: Uncertain significance. Last evaluated: 2024-07-11. Review status: criteria provided, single submitter. Criteria: Invitae Variant Classification Sherloc (09022015). Collection method: clinical testing. Allele origin: germline.
Comment: This sequence change replaces threonine, which is neutral and polar, with serine, which is neutral and polar, at codon 1297 of the RAI1 protein (p.Thr1297Ser). This variant is not present in population databases (gnomAD no frequency). This variant has not been reported in the literature in individuals affected with RAI1-related conditions. Advanced modeling of protein sequence and biophysical properties (such as structural, functional, and spatial information, amino acid conservation, physicochemical variation, residue mobility, and thermodynamic stability) performed at Invitae indicates that this missense variant is not expected to disrupt RAI1 protein function with a negative predictive value of 80%. In summary, the available evidence is currently insufficient to determine the role of this variant in disease. Therefore, it has been classified as a Variant of Uncertain Significance.